The following is an entry in ClinVar:

NM_004586.3(RPS6KA3):c.-9G>T

Gene: RPS6KA3 (ribosomal protein S6 kinase A3; minus strand). Cytogenetic location: Xp22.12.
Variant type: single nucleotide variant.
Coding change: c.-9G>T on transcript NM_004586.3 (MANE Select); 9 bases upstream of the start codon, G replaced by T.
Molecular consequence: 5 prime UTR variant. On other transcripts: intron variant (1).
Genome position (GRCh38, 1-based): chrX:20,266,641, C>A on the plus strand (G>T on the coding strand, the complement: RPS6KA3 is on the minus strand). VCF-style: chrX-20266641-C-A. GRCh37 (hg19) VCF-style: chrX-20284759-C-A.
Other names: c.-16+398G>T (NM_001438340.1).
Identifiers: ClinVar variation 4689513 (VCV004689513.1).

ClinVar aggregate classification (germline): Uncertain significance (1 of 4 stars; one submission).

gnomAD v4.1: 6 of 1,134,214 alleles (0.00053%); highest among the groups gnomAD compares: Non-Finnish European, 0.00058%; no homozygotes.

Submission:

Women's Health and Genetics/Laboratory Corporation of America, LabCorp
Classification: Uncertain significance. Last evaluated: 2026-01-09. Review status: criteria provided, single submitter. Criteria: LabCorp Variant Classification Summary - May 2015. Collection method: clinical testing. Allele origin: germline.
Comment: Variant summary: RPS6KA3 c.-9G>T is located in the untranslated mRNA region upstream of the initiation codon. The variant was absent in 87327 control chromosomes. The available data on variant occurrences in the general population are insufficient to allow any conclusion about variant significance. To our knowledge, no occurrence of c.-9G>T in individuals affected with RPS6KA3-related conditions and no experimental evidence demonstrating its impact on protein function have been reported. No submitters have cited clinical-significance assessments for this variant to ClinVar. Based on the evidence outlined above, the variant was classified as uncertain significance.